The following is an entry in ClinVar:

ClinVar aggregate classification (germline): Uncertain significance. Review status: criteria provided, multiple submitters, no conflicts (2 of 4 stars). 2 submissions from 2 submitters: Uncertain significance (2). Last evaluated 2025-12-03.

Conditions:
Inborn genetic diseases. Identifiers: MedGen C0950123, MeSH D030342.

gnomAD v4.1: 5 of 1,613,914 alleles (0.00031%); highest among the groups gnomAD compares: Admixed American, 0.0017%; no homozygotes.

Submissions (2):

Ambry Genetics
Classification: Uncertain significance for Inborn genetic diseases. Last evaluated: 2025-12-03. Review status: criteria provided, single submitter. Criteria: Ambry Variant Classification Scheme 2023. Collection method: clinical testing. Allele origin: germline.

Women's Health and Genetics/Laboratory Corporation of America, LabCorp
Classification: Uncertain significance. Last evaluated: 2024-12-11. Review status: criteria provided, single submitter. Criteria: LabCorp Variant Classification Summary - May 2015. Collection method: clinical testing. Allele origin: germline.
Comment: Variant summary: CUX1 c.2145C>A (p.Asp715Glu) results in a conservative amino acid change in the encoded protein sequence. Four of five in-silico tools predict a benign effect of the variant on protein function. The variant allele was found at a frequency of 4e-06 in 250846 control chromosomes. The available data on variant occurrences in the general population are insufficient to allow any conclusion about variant significance. To our knowledge, no occurrence of c.2145C>A in individuals affected with Global Developmental Delay With Or Without Impaired Intellectual Development and no experimental evidence demonstrating its impact on protein function have been reported. No submitters have cited clinical-significance assessments for this variant to ClinVar. Based on the evidence outlined above, the variant was classified as uncertain significance.

Literature cited by the submitters: PubMed 23212519 (cited by Women's Health and Genetics/Laboratory Corporation of America, LabCorp); PubMed 24316979 (cited by Women's Health and Genetics/Laboratory Corporation of America, LabCorp); PubMed 31320321 (cited by Women's Health and Genetics/Laboratory Corporation of America, LabCorp); PubMed 30515541 (cited by Women's Health and Genetics/Laboratory Corporation of America, LabCorp).

NM_181552.4(CUX1):c.2112C>A (p.Asp704Glu)

Gene: CUX1 (cut like homeobox 1; plus strand). Cytogenetic location: 7q22.1.
Variant type: single nucleotide variant.
Coding change: c.2112C>A on transcript NM_181552.4 (MANE Select); coding-DNA position 2112, C replaced by A.
Protein change: p.Asp704Glu; replaces aspartic acid 704 with glutamic acid.
Molecular consequence: missense variant. On other transcripts: intron variant (5).
Genome position (GRCh38, 1-based): chr7:102,201,409, C>A. VCF-style: chr7-102201409-C-A. GRCh37 (hg19) VCF-style: chr7-101844689-C-A.
Other names: c.2145C>A, p.Asp715Glu (NM_001202543.2); c.1255+5806C>A (NM_001913.5); c.1249+5806C>A (NM_181500.4); c.1117+5806C>A (NM_001202545.3); c.1207+5806C>A (NM_001202544.3); c.1138+5806C>A (NM_001202546.3); c.2145C>A (NM_001202543.1); short protein forms D704E, D715E.
Identifiers: ClinVar variation 3768120 (VCV003768120.2).